The following is an entry in ClinVar:

ClinVar aggregate classification (germline): Pathogenic/Likely pathogenic. Review status: criteria provided, multiple submitters, no conflicts (2 of 4 stars). 2 submissions from 2 submitters: Pathogenic (1); Likely pathogenic (1). Last evaluated 2023-08-02.

Conditions:
Mandibulofacial dysostosis-microcephaly syndrome (MFDGA). Also called: Mandibulofacial dysostosis, Guion-Almeida type; Growth and mental retardation, mandibulofacial dysostosis, microcephaly, and cleft palate. Identifiers: Orphanet 79113, MedGen C1864652, MONDO:0012516, OMIM 610536.

Submissions (2):

GeneDx
Classification: Pathogenic. Last evaluated: 2023-08-02. Review status: criteria provided, single submitter. Criteria: GeneDx Variant Classification Process June 2021. Collection method: clinical testing. Allele origin: germline. Affected: yes.
Comment: Not observed at significant frequency in large population cohorts (gnomAD); In silico analysis supports that this missense variant has a deleterious effect on protein structure/function; This variant is associated with the following publications: (PMID: 26507355, 32333448, 34068052)

Juno Genomics, Hangzhou Juno Genomics, Inc
Classification: Likely pathogenic for Mandibulofacial dysostosis-microcephaly syndrome. Review status: criteria provided, single submitter. Criteria: ACMG Guidelines, 2015. Collection method: clinical testing. Allele origin: germline. Affected: yes.
Comment: Absent from controls (or at extremely low frequency if recessive) in Genome Aggregation Database, Exome Sequencing Project, 1000 Genomes Project, or Exome Aggregation Consortium.;Missense variant in a gene that has a low rate of benign missense variation and where missense variants are a common mechanism of disease.;De novo (both maternity and paternity confirmed) in a patient with the disease and no family history.;The prevalence of the variant in affected individuals is significantly increased compared to the prevalence in controls.;Patient's phenotype or family history is highly specific for a disease with a single genetic etiology.

NM_004247.4(EFTUD2):c.2813G>A (p.Arg938His)

Gene: EFTUD2 (elongation factor Tu GTP binding domain containing 2; minus strand). Cytogenetic location: 17q21.31.
Variant type: single nucleotide variant.
Coding change: c.2813G>A on transcript NM_004247.4 (MANE Select); coding-DNA position 2813, G replaced by A.
Protein change: p.Arg938His; replaces arginine 938 with histidine.
Molecular consequence: missense variant.
Genome position (GRCh38, 1-based): chr17:44,851,720, C>T on the plus strand (G>A on the coding strand, the complement: EFTUD2 is on the minus strand). VCF-style: chr17-44851720-C-T. GRCh37 (hg19) VCF-style: chr17-42929088-C-T.
Other names: c.2708G>A, p.Arg903His (NM_001142605.2); c.2813G>A, p.Arg938His (NM_001258353.2); c.2783G>A, p.Arg928His (NM_001258354.2); short protein forms R903H, R928H, R938H.
Identifiers: ClinVar variation 1710737 (VCV001710737.4), dbSNP rs2508714004, ClinGen allele CA399837780.